The following is an entry in ClinVar:

ClinVar aggregate classification (germline): Uncertain significance (1 of 4 stars; one submission).

Conditions:
Aortic aneurysm, familial thoracic 7 (AAT7). Also called: AORTIC DISSECTION, FAMILIAL, WITH OR WITHOUT AORTIC ANEURYSM. Identifiers: MedGen C3151077, MONDO:0013418, OMIM 613780.

Allele frequency attached by ClinVar (database versions not stated): TOPMed below 0.00001.

Submission:

Labcorp Genetics (formerly Invitae), Labcorp
Classification: Uncertain significance for Aortic aneurysm, familial thoracic 7. Last evaluated: 2021-11-08. Review status: criteria provided, single submitter. Criteria: Invitae Variant Classification Sherloc (09022015). Collection method: clinical testing. Allele origin: germline.
Comment: In summary, the available evidence is currently insufficient to determine the role of this variant in disease. Therefore, it has been classified as a Variant of Uncertain Significance. Advanced modeling of protein sequence and biophysical properties (such as structural, functional, and spatial information, amino acid conservation, physicochemical variation, residue mobility, and thermodynamic stability) performed at Invitae indicates that this missense variant is not expected to disrupt MYLK protein function. This variant has not been reported in the literature in individuals affected with MYLK-related conditions. This variant is not present in population databases (gnomAD no frequency). This sequence change replaces serine, which is neutral and polar, with phenylalanine, which is neutral and non-polar, at codon 559 of the MYLK protein (p.Ser559Phe).

NM_053025.4(MYLK):c.1676C>T (p.Ser559Phe)

Gene: MYLK (myosin light chain kinase; minus strand). Cytogenetic location: 3q21.1.
Variant type: single nucleotide variant.
Coding change: c.1676C>T on transcript NM_053025.4 (MANE Select); coding-DNA position 1676, C replaced by T.
Protein change: p.Ser559Phe; replaces serine 559 with phenylalanine.
Molecular consequence: missense variant.
Genome position (GRCh38, 1-based): chr3:123,722,256, G>A on the plus strand (C>T on the coding strand, the complement: MYLK is on the minus strand). VCF-style: chr3-123722256-G-A. GRCh37 (hg19) VCF-style: chr3-123441103-G-A.
Other names: c.1148C>T, p.Ser383Phe (NM_001321309.2); c.1469C>T, p.Ser490Phe (NM_053026.4, NM_053028.4); c.1676C>T, p.Ser559Phe (NM_053027.4); short protein forms S559F, S383F, S490F.
Identifiers: ClinVar variation 1433391 (VCV001433391.6), dbSNP rs1263021557, ClinGen allele CA354235471.